The following is an entry in ClinVar:

ClinVar aggregate classification (germline): Uncertain significance (1 of 4 stars; one submission).

Conditions:
Multiple acyl-CoA dehydrogenase deficiency (MADD). Also called: Glutaric Acidemia type 2; Glutaric acidemia type II; GA 2; Glutaric aciduria, type 2; ETHYLMALONIC-ADIPICACIDURIA; GA II. Identifiers: Orphanet 26791, MedGen C0268596, MONDO:0009282, OMIM 231680.

Submission:

Labcorp Genetics (formerly Invitae), Labcorp
Classification: Uncertain significance for Multiple acyl-CoA dehydrogenase deficiency. Last evaluated: 2022-02-08. Review status: criteria provided, single submitter. Criteria: Invitae Variant Classification Sherloc (09022015). Collection method: clinical testing. Allele origin: germline.
Comment: This sequence change replaces valine, which is neutral and non-polar, with methionine, which is neutral and non-polar, at codon 239 of the ETFB protein (p.Val239Met). This variant is not present in population databases (gnomAD no frequency). This variant has not been reported in the literature in individuals affected with ETFB-related conditions. Algorithms developed to predict the effect of missense changes on protein structure and function are either unavailable or do not agree on the potential impact of this missense change (SIFT: "Deleterious"; PolyPhen-2: "Probably Damaging"; Align-GVGD: "Class C0"). In summary, the available evidence is currently insufficient to determine the role of this variant in disease. Therefore, it has been classified as a Variant of Uncertain Significance.

NM_001985.3(ETFB):c.715G>A (p.Val239Met)

Gene: ETFB (electron transfer flavoprotein subunit beta; minus strand). Cytogenetic location: 19q13.41.
Variant type: single nucleotide variant.
Coding change: c.715G>A on transcript NM_001985.3 (MANE Select); coding-DNA position 715, G replaced by A.
Protein change: p.Val239Met; replaces valine 239 with methionine.
Molecular consequence: missense variant.
Genome position (GRCh38, 1-based): chr19:51,345,264, C>T on the plus strand (G>A on the coding strand, the complement: ETFB is on the minus strand). VCF-style: chr19-51345264-C-T. GRCh37 (hg19) VCF-style: chr19-51848518-C-T.
Other names: c.988G>A, p.Val330Met (NM_001014763.1); short protein forms V330M, V239M.
Identifiers: ClinVar variation 2094992 (VCV002094992.4), dbSNP rs2514140751, ClinGen allele CA407080677.
Genomic context (GRCh38, chr19:51,345,264, plus strand): 5'-GAGGGGCTCAAATCCGCCCAATCTCCTTCAGCTTGGCCACCAGGTCCTCAGTGGTCTCCA[C>T]CTTGACGCCGGCCGTGCGCTGGGGCGGGTCCTCCACACTGATCACAGAGAGCTTGGAGGT-3'
Protein context (NP_001976.1, residues 229-249): DPPQRTAGVK[Val239Met]ETTEDLVAKL